The following is an entry in ClinVar:

ClinVar aggregate classification (germline): Uncertain significance (1 of 4 stars; one submission).

Submission:

GeneDx
Classification: Uncertain significance. Last evaluated: 2019-12-09. Review status: criteria provided, single submitter. Criteria: GeneDx Variant Classification Process June 2021. Collection method: clinical testing. Allele origin: germline. Affected: yes.
Comment: Not observed in large population cohorts (Lek et al., 2016); In silico analysis, which includes protein predictors and evolutionary conservation, supports that this variant does not alter protein structure/function; Has not been previously published as pathogenic or benign to our knowledge

NM_005334.3(HCFC1):c.2684C>T (p.Ala895Val)

Gene: HCFC1 (host cell factor C1; minus strand). Cytogenetic location: Xq28.
Variant type: single nucleotide variant.
Coding change: c.2684C>T on transcript NM_005334.3 (MANE Select); coding-DNA position 2684, C replaced by T.
Protein change: p.Ala895Val; replaces alanine 895 with valine.
Molecular consequence: missense variant.
Genome position (GRCh38, 1-based): chrX:153,956,363, G>A on the plus strand (C>T on the coding strand, the complement: HCFC1 is on the minus strand). VCF-style: chrX-153956363-G-A. GRCh37 (hg19) VCF-style: chrX-153221814-G-A.
Other names: short protein forms A895V.
Identifiers: ClinVar variation 1212241 (VCV001212241.3), dbSNP rs2148578314, ClinGen allele CA415128015.